The following is an entry in ClinVar:

ClinVar aggregate classification (germline): Conflicting classifications of pathogenicity. Review status: criteria provided, conflicting classifications (1 of 4 stars). 2 submissions from 2 submitters: Uncertain significance (1); Likely benign (1). Last evaluated 2025-01-13.

Conditions:
Fanconi anemia (FA). Also called: Fanconi's anemia. Identifiers: Orphanet 84, MedGen C0015625, MeSH D005199, MONDO:0019391.
Inborn genetic diseases. Identifiers: MedGen C0950123, MeSH D030342.

Allele frequency attached by ClinVar (database versions not stated): gnomAD exomes 0.00003; ExAC 0.00006; 1000 Genomes Project 0.00040; gnomAD 0.00001; 1000 Genomes Project 30x 0.00062.
gnomAD v4.1: 39 of 1,614,056 alleles (0.0024%); highest among the groups gnomAD compares: South Asian, 0.042%; no homozygotes.

Submissions (2):

Ambry Genetics
Classification: Uncertain significance for Inborn genetic diseases. Last evaluated: 2025-01-13. Review status: criteria provided, single submitter. Criteria: Ambry Variant Classification Scheme 2023. Collection method: clinical testing. Allele origin: germline.
Comment: The p.C215Y variant (also known as c.644G>A), located in coding exon 7 of the FANCA gene, results from a G to A substitution at nucleotide position 644. The cysteine at codon 215 is replaced by tyrosine, an amino acid with highly dissimilar properties. This amino acid position is conserved. In addition, this alteration is predicted to be tolerated by in silico analysis. Based on the available evidence, the clinical significance of this variant remains unclear.

Labcorp Genetics (formerly Invitae), Labcorp
Classification: Likely benign for Fanconi anemia. Last evaluated: 2022-04-01. Review status: criteria provided, single submitter. Criteria: Invitae Variant Classification Sherloc (09022015). Collection method: clinical testing. Allele origin: germline.

NM_000135.4(FANCA):c.644G>A (p.Cys215Tyr)

Gene: FANCA (FA complementation group A; minus strand). Cytogenetic location: 16q24.3.
Variant type: single nucleotide variant.
Coding change: c.644G>A on transcript NM_000135.4 (MANE Select); coding-DNA position 644, G replaced by A.
Protein change: p.Cys215Tyr; replaces cysteine 215 with tyrosine.
Molecular consequence: missense variant.
Genome position (GRCh38, 1-based): chr16:89,805,345, C>T on the plus strand (G>A on the coding strand, the complement: FANCA is on the minus strand). VCF-style: chr16-89805345-C-T. GRCh37 (hg19) VCF-style: chr16-89871753-C-T.
Other names: c.644G>A, p.Cys215Tyr (NM_001018112.3, NM_001286167.3); c.548G>A, p.Cys183Tyr (NM_001351830.2); short protein forms C183Y, C215Y.
Identifiers: ClinVar variation 2038376 (VCV002038376.5), dbSNP rs555784791, ClinGen allele CA8252871.